The following is an entry in ClinVar:

ClinVar aggregate classification (germline): Conflicting classifications of pathogenicity. Review status: criteria provided, conflicting classifications (1 of 4 stars). 5 submissions from 5 submitters: Uncertain significance (1); Likely benign (3). 1 of the submissions does not count toward it. Last evaluated 2025-11-24.

Conditions:
Inborn genetic diseases. Identifiers: MedGen C0950123, MeSH D030342.
BNC2-related disorder. Also called: BNC2-related condition.

Allele frequency attached by ClinVar (database versions not stated): gnomAD exomes 0.00032 and 0.00088; ExAC 0.00093; gnomAD 0.00260 and 0.00276; ESP Exome Variant Server 0.00277; 1000 Genomes Project 30x 0.00297; 1000 Genomes Project 0.00300; TOPMed 0.00311.
gnomAD v4.1: 893 of 1,613,986 alleles (0.055%); highest among the groups gnomAD compares: African/African-American, 0.84%; 4 homozygotes.

Submissions (5):

Labcorp Genetics (formerly Invitae), Labcorp
Classification: Likely benign. Last evaluated: 2025-11-24. Review status: criteria provided, single submitter. Criteria: Invitae Variant Classification Sherloc (09022015). Collection method: clinical testing. Allele origin: germline.

CeGaT Center for Human Genetics Tuebingen
Classification: Likely benign. Last evaluated: 2025-09-01. Review status: criteria provided, single submitter. Criteria: CeGaT Center For Human Genetics Tuebingen Variant Classification Criteria Version 2. Collection method: clinical testing. Allele origin: germline. Affected: yes. Observed: 2 variant alleles.
Comment: BNC2: BS1

Ambry Genetics
Classification: Uncertain significance for Inborn genetic diseases. Last evaluated: 2024-01-03. Review status: criteria provided, single submitter. Criteria: Ambry Variant Classification Scheme 2023. Collection method: clinical testing. Allele origin: germline.

Breakthrough Genomics
Classification: Likely benign. Review status: criteria provided, single submitter. Criteria: ACMG Guidelines, 2015. Collection method: not provided. Allele origin: germline. Inheritance: Autosomal dominant inheritance. Affected: yes.

PreventionGenetics, part of Exact Sciences
Classification: Benign for BNC2-related condition. Last evaluated: 2021-11-11. Review status: no assertion criteria provided. Collection method: clinical testing. Allele origin: germline. Not counted in ClinVar's aggregate classification.
Comment: This variant is classified as benign based on ACMG/AMP sequence variant interpretation guidelines (Richards et al. 2015 PMID: 25741868, with internal and published modifications).

NM_017637.6(BNC2):c.167C>G (p.Thr56Arg)

Gene: BNC2 (basonuclin zinc finger protein 2; minus strand). Cytogenetic location: 9p22.2.
Variant type: single nucleotide variant.
Coding change: c.167C>G on transcript NM_017637.6 (MANE Select); coding-DNA position 167, C replaced by G.
Protein change: p.Thr56Arg; replaces threonine 56 with arginine.
Molecular consequence: missense variant. On other transcripts: intron variant (1).
Genome position (GRCh38, 1-based): chr9:16,727,960, G>C on the plus strand (C>G on the coding strand, the complement: BNC2 is on the minus strand). VCF-style: chr9-16727960-G-C. GRCh37 (hg19) VCF-style: chr9-16727958-G-C.
Other names: c.41C>G, p.Thr14Arg (NM_001317939.2); c.45+104284C>G (NM_001317940.2); short protein forms T56R, T14R.
Identifiers: ClinVar variation 778410 (VCV000778410.37), dbSNP rs146566771, ClinGen allele CA4996374.
Genomic context (GRCh38, chr9:16,727,960, plus strand): 5'-TCAGTACAGGAGTCTCTTAAAGTCAAGTCTCTTGCCCTCTTTGGCTCTCTGTCTCTCTGT[G>C]TCTCTCTTTCTCTCACATCCACTTCTGCCTCTTCTGACTGAAAAGTGAAGGTGGATTTTT-3'
Protein context (NP_060107.3, residues 46-66): EAEVDVRERE[Thr56Arg]QRDREPKRAR